The following is an entry in ClinVar:

ClinVar aggregate classification (germline): Uncertain significance (1 of 4 stars; one submission).

Conditions:
Cowden syndrome 6 (CWS6). Identifiers: Orphanet 201, MedGen C3554519, MONDO:0014048, OMIM 615109.

Allele frequency attached by ClinVar (database versions not stated): gnomAD exomes below 0.00001; TOPMed below 0.00001.
gnomAD v4.1: 6 of 1,613,342 alleles (0.00037%); highest among the groups gnomAD compares: South Asian, 0.0011%; no homozygotes.

Submission:

Labcorp Genetics (formerly Invitae), Labcorp
Classification: Uncertain significance for Cowden syndrome 6. Last evaluated: 2021-02-12. Review status: criteria provided, single submitter. Criteria: Invitae Variant Classification Sherloc (09022015). Collection method: clinical testing. Allele origin: germline.
Comment: In summary, the available evidence is currently insufficient to determine the role of this variant in disease. Therefore, it has been classified as a Variant of Uncertain Significance. Algorithms developed to predict the effect of missense changes on protein structure and function are either unavailable or do not agree on the potential impact of this missense change (SIFT: "Deleterious"; PolyPhen-2: "Benign"; Align-GVGD: "Class C0"). This variant has not been reported in the literature in individuals with AKT1-related conditions. This variant is not present in population databases (ExAC no frequency). This sequence change replaces arginine with histidine at codon 86 of the AKT1 protein (p.Arg86His). The arginine residue is highly conserved and there is a small physicochemical difference between arginine and histidine.

NM_001382430.1(AKT1):c.257G>A (p.Arg86His)

Gene: AKT1 (AKT serine/threonine kinase 1; minus strand). Cytogenetic location: 14q32.33.
Variant type: single nucleotide variant.
Coding change: c.257G>A on transcript NM_001382430.1 (MANE Select); coding-DNA position 257, G replaced by A.
Protein change: p.Arg86His; replaces arginine 86 with histidine.
Molecular consequence: missense variant.
Genome position (GRCh38, 1-based): chr14:104,776,689, C>T on the plus strand (G>A on the coding strand, the complement: AKT1 is on the minus strand). VCF-style: chr14-104776689-C-T. GRCh37 (hg19) VCF-style: chr14-105243026-C-T.
Other names: c.257G>A, p.Arg86His (NM_001014431.2, NM_001014432.2, NM_001382431.1 and 3 more transcripts); short protein forms R86H.
Identifiers: ClinVar variation 1394414 (VCV001394414.8), dbSNP rs773971502, ClinGen allele CA267350748.